The following is an entry in ClinVar:

NM_182961.4(SYNE1):c.4261A>G (p.Lys1421Glu)

Gene: SYNE1 (spectrin repeat containing nuclear envelope protein 1; minus strand). Cytogenetic location: 6q25.2.
Variant type: single nucleotide variant.
Coding change: c.4261A>G on transcript NM_182961.4 (MANE Select); coding-DNA position 4261, A replaced by G.
Protein change: p.Lys1421Glu; replaces lysine 1421 with glutamic acid.
Molecular consequence: missense variant.
Genome position (GRCh38, 1-based): chr6:152,435,990, T>C on the plus strand (A>G on the coding strand, the complement: SYNE1 is on the minus strand). VCF-style: chr6-152435990-T-C. GRCh37 (hg19) VCF-style: chr6-152757125-T-C.
Other names: c.4282A>G, p.Lys1428Glu (NM_033071.5); c.4282A>G (NM_033071.3); short protein forms K1421E, K1428E.
Identifiers: ClinVar variation 586737 (VCV000586737.13), dbSNP rs369236839, ClinGen allele CA4058608.

ClinVar aggregate classification (germline): Uncertain significance. Review status: criteria provided, multiple submitters, no conflicts (2 of 4 stars). 3 submissions from 3 submitters: Uncertain significance (3). Last evaluated 2023-01-13.

Conditions:
Emery-Dreifuss muscular dystrophy 4, autosomal dominant (EDMD4). Also called: EMERY-DREIFUSS MUSCULAR DYSTROPHY 4 WITH VARIABLE FEATURES. Identifiers: Orphanet 261, MedGen C2751807, MONDO:0013071, OMIM 612998.
Autosomal recessive ataxia, Beauce type. Also called: SYNE1-Related Autosomal Recessive Cerebellar Ataxia; Spinocerebellar ataxia, autosomal recessive 8; ATAXIA, RECESSIVE, OF BEAUCE; SYNE1 Deficiency. Identifiers: Orphanet 88644, MedGen C1853116, MONDO:0012549, OMIM 610743.

Allele frequency attached by ClinVar (database versions not stated): ExAC 0.00002; gnomAD exomes 0.00002 and 0.00003; ESP Exome Variant Server 0.00015; gnomAD 0.00015 and 0.00016; TOPMed 0.00015.
gnomAD v4.1: 55 of 1,614,150 alleles (0.0034%); highest among the groups gnomAD compares: African/African-American, 0.06%; no homozygotes.

Submissions (3):

Revvity Omics, Revvity
Classification: Uncertain significance. Last evaluated: 2023-01-13. Review status: criteria provided, single submitter. Criteria: ACMG Guidelines, 2015. Collection method: clinical testing. Allele origin: germline.

Labcorp Genetics (formerly Invitae), Labcorp
Classification: Uncertain significance for Emery-Dreifuss muscular dystrophy 4, autosomal dominant; Autosomal recessive ataxia, Beauce type. Last evaluated: 2022-07-05. Review status: criteria provided, single submitter. Criteria: Invitae Variant Classification Sherloc (09022015). Collection method: clinical testing. Allele origin: germline.
Comment: This sequence change replaces lysine, which is basic and polar, with glutamic acid, which is acidic and polar, at codon 1428 of the SYNE1 protein (p.Lys1428Glu). This variant is present in population databases (rs369236839, gnomAD 0.03%). This variant has not been reported in the literature in individuals affected with SYNE1-related conditions. ClinVar contains an entry for this variant (Variation ID: 586737). Algorithms developed to predict the effect of missense changes on protein structure and function are either unavailable or do not agree on the potential impact of this missense change (SIFT: "Deleterious"; PolyPhen-2: "Benign"; Align-GVGD: "Class C0"). In summary, the available evidence is currently insufficient to determine the role of this variant in disease. Therefore, it has been classified as a Variant of Uncertain Significance.

Athena Diagnostics
Classification: Uncertain significance. Last evaluated: 2018-08-10. Review status: criteria provided, single submitter. Criteria: Athena Diagnostics Criteria. Collection method: clinical testing. Allele origin: germline.